The following is an entry in ClinVar:

NM_007215.4(POLG2):c.875A>G (p.Asn292Ser)

Genes: MILR1 (mast cell immunoglobulin like receptor 1; plus strand), POLG2 (DNA polymerase gamma 2, accessory subunit; minus strand). Cytogenetic location: 17q23.3.
Variant type: single nucleotide variant.
Coding change: c.875A>G on transcript NM_007215.4 (MANE Select); coding-DNA position 875, A replaced by G.
Protein change: p.Asn292Ser; replaces asparagine 292 with serine.
Molecular consequence: missense variant.
Genome position (GRCh38, 1-based): chr17:64,490,890, T>C on the plus strand (A>G on the coding strand, the complement: POLG2 is on the minus strand). VCF-style: chr17-64490890-T-C. GRCh37 (hg19) VCF-style: chr17-62487007-T-C.
Other names: short protein forms N292S.
Identifiers: ClinVar variation 1471493 (VCV001471493.8), dbSNP rs966001981, ClinGen allele CA293013794.

ClinVar aggregate classification (germline): Uncertain significance (1 of 4 stars; one submission).

Allele frequency attached by ClinVar (database versions not stated): gnomAD 0.00001; TOPMed 0.00002.
gnomAD v4.1: 7 of 1,613,764 alleles (0.00043%); highest among the groups gnomAD compares: South Asian, 0.0033%; no homozygotes.

Submission:

Labcorp Genetics (formerly Invitae), Labcorp
Classification: Uncertain significance. Last evaluated: 2021-12-02. Review status: criteria provided, single submitter. Criteria: Invitae Variant Classification Sherloc (09022015). Collection method: clinical testing. Allele origin: germline.
Comment: This sequence change replaces asparagine, which is neutral and polar, with serine, which is neutral and polar, at codon 292 of the POLG2 protein (p.Asn292Ser). This variant is not present in population databases (gnomAD no frequency). This variant has not been reported in the literature in individuals affected with POLG2-related conditions. Algorithms developed to predict the effect of missense changes on protein structure and function output the following: SIFT: "Tolerated"; PolyPhen-2: "Benign"; Align-GVGD: "Class C0". The serine amino acid residue is found in multiple mammalian species, which suggests that this missense change does not adversely affect protein function. Algorithms developed to predict the effect of sequence changes on RNA splicing suggest that this variant may create or strengthen a splice site. In summary, the available evidence is currently insufficient to determine the role of this variant in disease. Therefore, it has been classified as a Variant of Uncertain Significance.